The following is an entry in ClinVar:

NM_058216.3(RAD51C):c.904+7A>G

Gene: RAD51C (RAD51 paralog C; plus strand). Cytogenetic location: 17q22.
Variant type: single nucleotide variant.
Coding change: c.904+7A>G on transcript NM_058216.3 (MANE Select); 7 bases into the intron after coding-DNA position 904, A replaced by G.
Molecular consequence: intron variant.
Genome position (GRCh38, 1-based): chr17:58,720,819, A>G. VCF-style: chr17-58720819-A-G. GRCh37 (hg19) VCF-style: chr17-56798180-A-G.
Identifiers: ClinVar variation 3903748 (VCV003903748.1).

ClinVar aggregate classification (germline): Likely benign (1 of 4 stars; one submission).

Conditions:
Breast-ovarian cancer, familial, susceptibility to, 3. Also called: RAD51C-Related Breast/Ovarian Cancer. Identifiers: Orphanet 145, MedGen C3150659, MONDO:0013253, OMIM 613399.

Submission:

Myriad Genetics, Inc.
Classification: Likely benign for Breast-ovarian cancer, familial, susceptibility to, 3. Last evaluated: 2025-02-19. Review status: criteria provided, single submitter. Criteria: Myriad Autosomal Dominant, Autosomal Recessive and X-Linked Classification Criteria (2023). Collection method: clinical testing. Allele origin: unknown.
Comment: This variant is considered likely benign. This variant is intronic and is not expected to impact mRNA splicing.